The following is an entry in ClinVar:

NM_000362.5(TIMP3):c.75A>G (p.Thr25=)

Genes: SYN3 (synapsin III; minus strand), TIMP3 (TIMP metallopeptidase inhibitor 3; plus strand). Cytogenetic location: 22q12.3.
Variant type: single nucleotide variant.
Coding change: c.75A>G on transcript NM_000362.5 (MANE Select); coding-DNA position 75, A replaced by G.
Protein change: p.Thr25=; no amino-acid change (threonine 25 retained).
Molecular consequence: synonymous variant. On other transcripts: intron variant (7).
Genome position (GRCh38, 1-based): chr22:32,802,076, A>G. VCF-style: chr22-32802076-A-G. GRCh37 (hg19) VCF-style: chr22-33198062-A-G.
Other names: c.708+62839T>C (NM_001369909.1, NM_001135774.2, NM_001369910.1); c.711+62839T>C (NM_001369907.1, NM_003490.4, NM_001369908.1 and 1 more transcripts).
Identifiers: ClinVar variation 3358188 (VCV003358188.4).

ClinVar aggregate classification (germline): Likely benign. Review status: criteria provided, multiple submitters, no conflicts (2 of 4 stars). 3 submissions from 3 submitters: Likely benign (2). 1 of the submissions does not count toward it. Last evaluated 2024-02-14.

Conditions:
TIMP3-related disorder. Also called: TIMP3-related condition.

gnomAD v4.1: 21 of 1,577,936 alleles (0.0013%); highest among the groups gnomAD compares: Non-Finnish European, 0.0017%; no homozygotes.

Submissions (3):

Labcorp Genetics (formerly Invitae), Labcorp
Classification: Likely benign. Last evaluated: 2024-02-14. Review status: criteria provided, single submitter. Criteria: Invitae Variant Classification Sherloc (09022015). Collection method: clinical testing. Allele origin: germline.

Blueprint Genetics
Classification: Likely benign. Last evaluated: 2022-12-02. Review status: criteria provided, single submitter. Criteria: ACMG Guidelines, 2015. Collection method: clinical testing. Allele origin: germline.

PreventionGenetics, part of Exact Sciences
Classification: Likely benign for TIMP3-related condition. Last evaluated: 2024-09-18. Review status: no assertion criteria provided. Collection method: clinical testing. Allele origin: germline. Not counted in ClinVar's aggregate classification.
Comment: This variant is classified as likely benign based on ACMG/AMP sequence variant interpretation guidelines (Richards et al. 2015 PMID: 25741868, with internal and published modifications).